The following is an entry in ClinVar:

ClinVar aggregate classification (germline): Likely benign (1 of 4 stars; one submission).

Allele frequency attached by ClinVar (database versions not stated): gnomAD exomes below 0.00001; TOPMed below 0.00001.
gnomAD v4.1: 2 of 1,614,158 alleles (0.00012%); highest among the groups gnomAD compares: Non-Finnish European, 0.00017%; no homozygotes.

Submission:

CeGaT Center for Human Genetics Tuebingen
Classification: Likely benign. Last evaluated: 2022-07-01. Review status: criteria provided, single submitter. Criteria: CeGaT Center For Human Genetics Tuebingen Variant Classification Criteria Version 2. Collection method: clinical testing. Allele origin: germline. Affected: yes. Observed: 1 variant allele.
Comment: PDXK: PM2:Supporting, BP4, BP7

NM_003681.5(PDXK):c.123C>G (p.Val41=)

Gene: PDXK (pyridoxal kinase; plus strand). Cytogenetic location: 21q22.3.
Variant type: single nucleotide variant.
Coding change: c.123C>G on transcript NM_003681.5 (MANE Select); coding-DNA position 123, C replaced by G.
Protein change: p.Val41=; no amino-acid change (valine 41 retained).
Molecular consequence: synonymous variant.
Genome position (GRCh38, 1-based): chr21:43,734,104, C>G. VCF-style: chr21-43734104-C-G. GRCh37 (hg19) VCF-style: chr21-45153985-C-G.
Identifiers: ClinVar variation 2652724 (VCV002652724.24), dbSNP rs1274583867, ClinGen allele CA512467802.